The following is an entry in ClinVar:

ClinVar aggregate classification (germline): Uncertain significance (1 of 4 stars; one submission).

Submission:

Labcorp Genetics (formerly Invitae), Labcorp
Classification: Uncertain significance. Last evaluated: 2022-02-13. Review status: criteria provided, single submitter. Criteria: Invitae Variant Classification Sherloc (09022015). Collection method: clinical testing. Allele origin: germline.
Comment: In summary, the available evidence is currently insufficient to determine the role of this variant in disease. Therefore, it has been classified as a Variant of Uncertain Significance. Algorithms developed to predict the effect of missense changes on protein structure and function output the following: SIFT: "Not Available"; PolyPhen-2: "Benign"; Align-GVGD: "Not Available". The serine amino acid residue is found in multiple mammalian species, which suggests that this missense change does not adversely affect protein function. This variant has not been reported in the literature in individuals affected with CEP250-related conditions. This variant is not present in population databases (gnomAD no frequency). This sequence change replaces asparagine, which is neutral and polar, with serine, which is neutral and polar, at codon 299 of the CEP250 protein (p.Asn299Ser).

NM_007186.6(CEP250):c.896A>G (p.Asn299Ser)

Gene: CEP250 (centrosomal protein 250; plus strand). Cytogenetic location: 20q11.22.
Variant type: single nucleotide variant.
Coding change: c.896A>G on transcript NM_007186.6 (MANE Select); coding-DNA position 896, A replaced by G.
Protein change: p.Asn299Ser; replaces asparagine 299 with serine.
Molecular consequence: missense variant. On other transcripts: 5 prime UTR variant (1).
Genome position (GRCh38, 1-based): chr20:35,469,934, A>G. VCF-style: chr20-35469934-A-G. GRCh37 (hg19) VCF-style: chr20-34057759-A-G.
Other names: c.-1004A>G (NM_001318219.1); short protein forms N299S.
Identifiers: ClinVar variation 1970883 (VCV001970883.5), dbSNP rs2515634905, ClinGen allele CA408758147.